The following is an entry in ClinVar:

NM_031935.3(HMCN1):c.601G>A (p.Asp201Asn)

Gene: HMCN1 (hemicentin 1; plus strand). Cytogenetic location: 1q31.1.
Variant type: single nucleotide variant.
Coding change: c.601G>A on transcript NM_031935.3 (MANE Select); coding-DNA position 601, G replaced by A.
Protein change: p.Asp201Asn; replaces aspartic acid 201 with asparagine.
Molecular consequence: missense variant.
Genome position (GRCh38, 1-based): chr1:185,865,843, G>A. VCF-style: chr1-185865843-G-A. GRCh37 (hg19) VCF-style: chr1-185834975-G-A.
Other names: short protein forms D201N.
Identifiers: ClinVar variation 2098101 (VCV002098101.4), dbSNP rs759144564, ClinGen allele CA1290885.

ClinVar aggregate classification (germline): Uncertain significance (1 of 4 stars; one submission).

Allele frequency attached by ClinVar (database versions not stated): gnomAD 0.00001; gnomAD exomes 0.00001; TOPMed 0.00001; ExAC 0.00003.
gnomAD v4.1: 11 of 1,612,370 alleles (0.00068%); highest among the groups gnomAD compares: East Asian, 0.02%; no homozygotes.

Submission:

Labcorp Genetics (formerly Invitae), Labcorp
Classification: Uncertain significance. Last evaluated: 2024-10-23. Review status: criteria provided, single submitter. Criteria: Invitae Variant Classification Sherloc (09022015). Collection method: clinical testing. Allele origin: germline.
Comment: This sequence change replaces aspartic acid, which is acidic and polar, with asparagine, which is neutral and polar, at codon 201 of the HMCN1 protein (p.Asp201Asn). This variant is present in population databases (rs759144564, gnomAD 0.06%). This missense change has been observed in individual(s) with clinical features of HMCN1-related conditions (PMID: 32562694). ClinVar contains an entry for this variant (Variation ID: 2098101). An algorithm developed to predict the effect of missense changes on protein structure and function (PolyPhen-2) suggests that this variant is likely to be disruptive. In summary, the available evidence is currently insufficient to determine the role of this variant in disease. Therefore, it has been classified as a Variant of Uncertain Significance.

Literature cited by the submitters: PubMed 32562694.